The following is an entry in ClinVar:

NM_001009944.3(PKD1):c.10961T>A (p.Leu3654His)

Genes: PKD1 (polycystin 1, transient receptor potential channel interacting; minus strand), PKD1-AS1 (PKD1 antisense RNA 1; plus strand). Cytogenetic location: 16p13.3.
Variant type: single nucleotide variant.
Coding change: c.10961T>A on transcript NM_001009944.3 (MANE Select); coding-DNA position 10961, T replaced by A.
Protein change: p.Leu3654His; replaces leucine 3654 with histidine.
Molecular consequence: missense variant.
Genome position (GRCh38, 1-based): chr16:2,093,599, A>T on the plus strand (T>A on the coding strand, the complement: PKD1 is on the minus strand). VCF-style: chr16-2093599-A-T. GRCh37 (hg19) VCF-style: chr16-2143600-A-T.
Other names: c.10958T>A, p.Leu3653His (NM_000296.4); short protein forms L3654H, L3653H.
Identifiers: ClinVar variation 546136 (VCV000546136.4), dbSNP rs1555446828, ClinGen allele CA394338749.

ClinVar aggregate classification (germline): Uncertain significance (1 of 4 stars; one submission).

Allele frequency attached by ClinVar (database versions not stated): gnomAD exomes below 0.00001.
gnomAD v4.1: 2 of 1,609,132 alleles (0.00012%); highest among the groups gnomAD compares: Middle Eastern, 0.033%; no homozygotes.

Submission:

GeneDx
Classification: Uncertain significance. Last evaluated: 2024-04-26. Review status: criteria provided, single submitter. Criteria: GeneDx Variant Classification Process June 2021. Collection method: clinical testing. Allele origin: germline. Affected: yes.
Comment: Not observed at significant frequency in large population cohorts (gnomAD); In silico analysis supports that this missense variant has a deleterious effect on protein structure/function; Has not been previously published as pathogenic or benign to our knowledge